The following is an entry in ClinVar:

NM_181486.4(TBX5):c.1115_1116delinsAGGCGCTCCTACA (p.Ser372Ter)

Gene: TBX5 (T-box transcription factor 5; minus strand). Cytogenetic location: 12q24.21.
Variant type: Indel.
Coding change: c.1115_1116delinsAGGCGCTCCTACA on transcript NM_181486.4 (MANE Select); coding-DNA positions 1115 to 1116, CG replaced by AGGCGCTCCTACA.
Protein change: p.Ser372Ter; replaces serine 372 with a stop codon.
Molecular consequence: nonsense.
Genome position (GRCh38, 1-based): chr12:114,355,973-114,355,974, CG replaced by TGTAGGAGCGCCT on the plus strand (CG replaced by AGGCGCTCCTACA on the coding strand, the reverse complement: TBX5 is on the minus strand). VCF-style: chr12-114355973-CG-TGTAGGAGCGCCT. GRCh37 (hg19) VCF-style: chr12-114793778-CG-TGTAGGAGCGCCT.
Other names: c.1115_1116delinsAGGCGCTCCTACA, p.Ser372Ter (NM_000192.3); c.965_966delinsAGGCGCTCCTACA, p.Ser322Ter (NM_080717.4); short protein forms S322*, S372*.
Identifiers: ClinVar variation 968329 (VCV000968329.1), dbSNP rs1593836748, ClinGen allele CA1139659403.

ClinVar aggregate classification (germline): Pathogenic (1 of 4 stars; one submission).

Conditions:
Aortic valve disease 2 (AOVD2). Identifiers: MedGen C3542024, MONDO:0013902, OMIM 614823.

Submission:

Labcorp Genetics (formerly Invitae), Labcorp
Classification: Pathogenic for Aortic valve disease 2. Last evaluated: 2019-04-24. Review status: criteria provided, single submitter. Criteria: Invitae Variant Classification Sherloc (09022015). Collection method: clinical testing. Allele origin: germline.
Comment: This sequence change results in a premature translational stop signal in the TBX5 gene (p.Ser372*). While this is not anticipated to result in nonsense mediated decay, it is expected to disrupt the last 148 amino acids of the TBX5 protein. This variant is not present in population databases (ExAC no frequency). This variant disrupts the C-terminus of the TBX5 protein. Other variant(s) that disrupt this region (p.Ala377Leufs*17, p.Ser387Lysfs*100, p.Q456*) have been observed in individuals with TBX5-related conditions (PMID: 8988164, 16917909, 17534187). This suggests that this may be a clinically significant region of the protein. For these reasons, this variant has been classified as Pathogenic.

Literature cited by the submitters: PubMed 17534187; PubMed 8988164; PubMed 16917909.